The following is an entry in ClinVar:

NM_006648.4(WNK2):c.5342G>A (p.Ser1781Asn)

Gene: WNK2 (WNK lysine deficient protein kinase 2; plus strand). Cytogenetic location: 9q22.31.
Variant type: single nucleotide variant.
Coding change: c.5342G>A on transcript NM_006648.4 (MANE Select); coding-DNA position 5342, G replaced by A.
Protein change: p.Ser1781Asn; replaces serine 1781 with asparagine.
Molecular consequence: missense variant.
Genome position (GRCh38, 1-based): chr9:93,292,807, G>A. VCF-style: chr9-93292807-G-A. GRCh37 (hg19) VCF-style: chr9-96055089-G-A.
Other names: c.5453G>A, p.Ser1818Asn (NM_001282394.3); short protein forms S1818N, S1781N.
Identifiers: ClinVar variation 4844880 (VCV004844880.1).

ClinVar aggregate classification (germline): Uncertain significance (1 of 4 stars; one submission).

Submission:

Ambry Genetics
Classification: Uncertain significance. Last evaluated: 2026-01-24. Review status: criteria provided, single submitter. Criteria: Ambry Variant Classification Scheme 2023. Collection method: clinical testing. Allele origin: germline.
Comment: The p.S1781N variant (also known as c.5342G>A), located in coding exon 22 of the WNK2 gene, results from a G to A substitution at nucleotide position 5342. The serine at codon 1781 is replaced by asparagine, an amino acid with highly similar properties. This amino acid position is conserved. In addition, this alteration is predicted to be tolerated by in silico analysis. Based on the available evidence, the clinical significance of this variant remains unclear.